The following is an entry in ClinVar:

ClinVar aggregate classification (germline): Likely benign (1 of 4 stars; one submission).

Allele frequency attached by ClinVar (database versions not stated): gnomAD 0.01137 and 0.01197; 1000 Genomes Project 0.01238; 1000 Genomes Project 30x 0.01327; TOPMed 0.01355.
gnomAD v4.1: 1,713 of 152,284 alleles (1.1%); highest among the groups gnomAD compares: African/African-American, 3.7%; 30 homozygotes.

Submission:

GeneDx
Classification: Likely benign. Last evaluated: 2018-06-16. Review status: criteria provided, single submitter. Criteria: GeneDx Variant Classification (06012015). Collection method: clinical testing. Allele origin: germline. Affected: yes.
Comment: This variant is considered likely benign or benign based on one or more of the following criteria: it is a conservative change, it occurs at a poorly conserved position in the protein, it is predicted to be benign by multiple in silico algorithms, and/or has population frequency not consistent with disease.

NM_001035.3(RYR2):c.7115+268G>A

Gene: RYR2 (ryanodine receptor 2; plus strand). Cytogenetic location: 1q43.
Variant type: single nucleotide variant.
Coding change: c.7115+268G>A on transcript NM_001035.3 (MANE Select); 268 bases into the intron after coding-DNA position 7115, G replaced by A.
Molecular consequence: intron variant.
Genome position (GRCh38, 1-based): chr1:237,639,469, G>A. VCF-style: chr1-237639469-G-A. GRCh37 (hg19) VCF-style: chr1-237802769-G-A.
Identifiers: ClinVar variation 673360 (VCV000673360.1), dbSNP rs77251380, ClinGen allele CA39788456.
Genomic context (GRCh38, chr1:237,639,469, plus strand): 5'-GTAGATTTAGCAGAGGGAAATTTAGGTTGTAGAAGATGCATCTTATGAATTTTCCTAGGG[G>A]AGCTAGGGCAAGGTGGGTTGTTGTAAATGATACGAAGTGAACCTTTGGGGTTAGACTGGA-3'